The following is an entry in ClinVar:

ClinVar aggregate classification (germline): Uncertain significance. Review status: criteria provided, multiple submitters, no conflicts (2 of 4 stars). 2 submissions from 2 submitters: Uncertain significance (2). Last evaluated 2022-02-26.

Conditions:
Progressive sclerosing poliodystrophy (MTDPS4A). Also called: NEURONAL DEGENERATION OF CHILDHOOD WITH LIVER DISEASE, PROGRESSIVE; Alpers Syndrome; ALPERS DIFFUSE DEGENERATION OF CEREBRAL GRAY MATTER WITH HEPATIC CIRRHOSIS; Alpers-Huttenlocher Syndrome; Mitochondrial DNA depletion syndrome 4A (Alpers type); Mitochondrial DNA Depletion Syndrome 4A. Identifiers: Orphanet 726, MedGen C0205710, MONDO:0008758, OMIM 203700.

Submissions (2):

GeneDx
Classification: Uncertain significance. Last evaluated: 2022-02-26. Review status: criteria provided, single submitter. Criteria: GeneDx Variant Classification Process June 2021. Collection method: clinical testing. Allele origin: germline. Affected: yes.
Comment: Not observed at significant frequency in large population cohorts (gnomAD); In silico analysis, which includes splice predictors and evolutionary conservation, suggests this variant may impact gene splicing. In the absence of RNA/functional studies, the actual effect of this sequence change is unknown.; In silico analysis supports that this missense variant does not alter protein structure/function; Has not been previously published as pathogenic or benign to our knowledge

Labcorp Genetics (formerly Invitae), Labcorp
Classification: Uncertain significance for Progressive sclerosing poliodystrophy. Last evaluated: 2021-07-14. Review status: criteria provided, single submitter. Criteria: Invitae Variant Classification Sherloc (09022015). Collection method: clinical testing. Allele origin: germline.
Comment: This sequence change replaces glycine with cysteine at codon 531 of the POLG protein (p.Gly531Cys). The glycine residue is highly conserved and there is a large physicochemical difference between glycine and cysteine. This variant is not present in population databases (ExAC no frequency). This variant has not been reported in the literature in individuals with POLG-related conditions. Algorithms developed to predict the effect of missense changes on protein structure and function are either unavailable or do not agree on the potential impact of this missense change (SIFT: "Deleterious"; PolyPhen-2: "Probably Damaging"; Align-GVGD: "Class C0"). In summary, the available evidence is currently insufficient to determine the role of this variant in disease. Therefore, it has been classified as a Variant of Uncertain Significance.

NM_002693.3(POLG):c.1591G>T (p.Gly531Cys)

Gene: POLG (DNA polymerase gamma, catalytic subunit; minus strand). Cytogenetic location: 15q26.1.
Variant type: single nucleotide variant.
Coding change: c.1591G>T on transcript NM_002693.3 (MANE Select); coding-DNA position 1591, G replaced by T.
Protein change: p.Gly531Cys; replaces glycine 531 with cysteine.
Molecular consequence: missense variant.
Genome position (GRCh38, 1-based): chr15:89,326,733, C>A on the plus strand (G>T on the coding strand, the complement: POLG is on the minus strand). VCF-style: chr15-89326733-C-A. GRCh37 (hg19) VCF-style: chr15-89869964-C-A.
Other names: c.1591G>T, p.Gly531Cys (NM_001126131.2); short protein forms G531C.
Identifiers: ClinVar variation 1355689 (VCV001355689.9), dbSNP rs796052904, ClinGen allele CA393760674.